The following is an entry in ClinVar:

ClinVar aggregate classification (germline): Benign. Review status: criteria provided, single submitter (1 of 4 stars). 2 submissions from 1 submitter: Benign (2). Last evaluated 2018-01-12.

Conditions:
Diffuse nonepidermolytic palmoplantar keratoderma (NEPPK). Also called: Nonepidermolytic palmoplantar hyperkeratosis; Nonepidermolytic palmoplantar keratoderma. Identifiers: Orphanet 530838, MedGen C1833030, MONDO:0010962, OMIM 600962, HP:0007404.
Epidermolytic ichthyosis. Also called: Congenital bullous ichthyosiform erythroderma; Bullous ichthyosiform erythroderma; Epidermolytic Hyperkeratosis; KRT10-Related Epidermolytic Hyperkeratosis. Identifiers: Orphanet 312, MedGen C0079153, MONDO:0007239, HP:0007475.

Allele frequency attached by ClinVar (database versions not stated): ESP Exome Variant Server 0.00046; gnomAD 0.00062 and 0.00067; TOPMed 0.00064; gnomAD exomes 0.00102 and 0.00118; 1000 Genomes Project 30x 0.00109; ExAC 0.00114; 1000 Genomes Project 0.00120.
gnomAD v4.1: 1,799 of 1,604,558 alleles (0.11%); highest among the groups gnomAD compares: South Asian, 0.24%; 7 homozygotes.

Submissions (2):

Illumina Laboratory Services, Illumina
Classification: Benign for Epidermolytic hyperkeratosis 1. Last evaluated: 2018-01-12. Review status: criteria provided, single submitter. Criteria: ICSL Variant Classification Criteria 13 December 2019. Collection method: clinical testing. Allele origin: germline.
Comment: This variant was observed in the ICSL laboratory as part of a predisposition screen in an ostensibly healthy population. It had not been previously curated by ICSL or reported in the Human Gene Mutation Database (HGMD: prior to June 1st, 2018), and was therefore a candidate for classification through an automated scoring system. Utilizing variant allele frequency, disease prevalence and penetrance estimates, and inheritance mode, an automated score was calculated to assess if this variant is too frequent to cause the disease. Based on the score and internal cut-off values, a variant classified as benign is not then subjected to further curation. The score for this variant resulted in a classification of benign for this disease.

Illumina Laboratory Services, Illumina
Classification: Benign for Diffuse nonepidermolytic palmoplantar keratoderma. Last evaluated: 2018-01-12. Review status: criteria provided, single submitter. Criteria: ICSL Variant Classification Criteria 13 December 2019. Collection method: clinical testing. Allele origin: germline.
Comment: the same text as in the submission from Illumina Laboratory Services, Illumina above.

NM_006121.4(KRT1):c.-21C>T

Gene: KRT1 (keratin 1; minus strand). Cytogenetic location: 12q13.13.
Variant type: single nucleotide variant.
Coding change: c.-21C>T on transcript NM_006121.4 (MANE Select); 21 bases upstream of the start codon, C replaced by T.
Molecular consequence: 5 prime UTR variant.
Genome position (GRCh38, 1-based): chr12:52,680,369, G>A on the plus strand (C>T on the coding strand, the complement: KRT1 is on the minus strand). VCF-style: chr12-52680369-G-A. GRCh37 (hg19) VCF-style: chr12-53074153-G-A.
Identifiers: ClinVar variation 309657 (VCV000309657.5), dbSNP rs189087382, ClinGen allele CA6586530.